The following is an entry in ClinVar:

NM_006567.5(FARS2):c.1094A>G (p.Asn365Ser)

Gene: FARS2 (phenylalanyl-tRNA synthetase 2, mitochondrial; plus strand). Cytogenetic location: 6p25.1.
Variant type: single nucleotide variant.
Coding change: c.1094A>G on transcript NM_006567.5 (MANE Select); coding-DNA position 1094, A replaced by G.
Protein change: p.Asn365Ser; replaces asparagine 365 with serine.
Molecular consequence: missense variant.
Genome position (GRCh38, 1-based): chr6:5,613,197, A>G. VCF-style: chr6-5613197-A-G. GRCh37 (hg19) VCF-style: chr6-5613430-A-G.
Other names: c.1094A>G, p.Asn365Ser (NM_001318872.2, NM_001374875.1, NM_001374876.1 and 4 more transcripts); c.962A>G, p.Asn321Ser (NM_001375258.1); c.398A>G, p.Asn133Ser (NM_001375259.1, NM_001375260.1); short protein forms N365S, N133S, N321S.
Identifiers: ClinVar variation 587666 (VCV000587666.12), dbSNP rs373811519, ClinGen allele CA3623886.

ClinVar aggregate classification (germline): Uncertain significance. Review status: criteria provided, multiple submitters, no conflicts (2 of 4 stars). 3 submissions from 3 submitters: Uncertain significance (3). Last evaluated 2025-10-10.

Conditions:
Combined oxidative phosphorylation defect type 14. Also called: Combined oxidative phosphorylation deficiency 14. Identifiers: Orphanet 319519, MedGen C4755312, MONDO:0013986, OMIM 614946.

Allele frequency attached by ClinVar (database versions not stated): ExAC 0.00002; gnomAD exomes 0.00003; gnomAD 0.00004; TOPMed 0.00004; ESP Exome Variant Server 0.00008.
gnomAD v4.1: 55 of 1,613,238 alleles (0.0034%); highest among the groups gnomAD compares: Non-Finnish European, 0.0043%; no homozygotes.

Submissions (3):

Labcorp Genetics (formerly Invitae), Labcorp
Classification: Uncertain significance for Combined oxidative phosphorylation defect type 14. Last evaluated: 2025-10-10. Review status: criteria provided, single submitter. Criteria: Invitae Variant Classification Sherloc (09022015). Collection method: clinical testing. Allele origin: germline.
Comment: This sequence change replaces asparagine, which is neutral and polar, with serine, which is neutral and polar, at codon 365 of the FARS2 protein (p.Asn365Ser). This variant is present in population databases (rs373811519, gnomAD 0.006%). This variant has not been reported in the literature in individuals affected with FARS2-related conditions. ClinVar contains an entry for this variant (Variation ID: 587666). Invitae Evidence Modeling of protein sequence and biophysical properties (such as structural, functional, and spatial information, amino acid conservation, physicochemical variation, residue mobility, and thermodynamic stability) has been performed for this missense variant. However, the output from this modeling did not meet the statistical confidence thresholds required to predict the impact of this variant on FARS2 protein function. In summary, the available evidence is currently insufficient to determine the role of this variant in disease. Therefore, it has been classified as a Variant of Uncertain Significance.

GeneDx
Classification: Uncertain significance. Last evaluated: 2025-01-10. Review status: criteria provided, single submitter. Criteria: GeneDx Variant Classification Process June 2021. Collection method: clinical testing. Allele origin: germline. Affected: yes.
Comment: Not observed at significant frequency in large population cohorts (gnomAD); In silico analysis supports that this missense variant has a deleterious effect on protein structure/function; Has not been previously published as pathogenic or benign to our knowledge

Wong Mito Lab, Molecular and Human Genetics, Baylor College of Medicine
Classification: Uncertain significance for Combined oxidative phosphorylation deficiency 14. Last evaluated: 2018-06-13. Review status: criteria provided, single submitter. Criteria: ACMG Guidelines, 2015. Collection method: clinical testing. Allele origin: germline.